The following is an entry in ClinVar:

ClinVar aggregate classification (germline): Pathogenic (1 of 4 stars; one submission).

Conditions:
Lynch syndrome 5 (LYNCH5). Also called: Colorectal cancer, hereditary nonpolyposis, type 5; Hereditary non-polyposis colorectal cancer, type 5. Identifiers: Orphanet 144, MedGen C1833477, MONDO:0013710, OMIM 614350. Disease mechanism: loss of function.

Submission:

Myriad Genetics, Inc.
Classification: Pathogenic for Lynch syndrome 5. Last evaluated: 2023-08-09. Review status: criteria provided, single submitter. Criteria: Myriad Autosomal Dominant, Autosomal Recessive and X-Linked Classification Criteria (2023). Collection method: clinical testing. Allele origin: unknown.
Comment: This variant is considered pathogenic. This variant creates a frameshift predicted to result in premature protein truncation.

NM_000179.3(MSH6):c.131del (p.Pro44fs)

Gene: MSH6 (mutS homolog 6; plus strand). Cytogenetic location: 2p16.3.
Variant type: Deletion.
Coding change: c.131del on transcript NM_000179.3 (MANE Select); coding-DNA position 131, one base deleted (C; older notation c.131delC).
Protein change: p.Pro44fs; shifts the reading frame from proline 44.
Molecular consequence: frameshift variant. On other transcripts: 5 prime UTR variant (7), non-coding transcript variant (5), intron variant (5).
Genome position (GRCh38, 1-based): chr2:47,783,364, C deleted; the last of 4 consecutive C bases (chr2:47,783,361-47,783,364); deleting any one gives the same sequence. VCF-style (leftmost placement, unchanged base first): chr2-47783360-TC-T. GRCh37 (hg19) VCF-style: chr2-48010499-TC-T.
Other names: c.131del, p.Pro44fs (NM_001281492.2, NM_001406795.1, NM_001406796.1 and 9 more transcripts); c.-606del (NM_001281493.2, NM_001406811.1); c.-198del (NM_001406799.1); c.76del, p.Gln26fs (NM_001406804.1); c.-798del (NM_001406807.1); c.-453del (NM_001406812.1); c.-864del (NM_001406814.1); c.-409del (NM_001406816.1); and 3 more; short protein forms P44fs, Q26fs.
Identifiers: ClinVar variation 2673635 (VCV002673635.1), dbSNP rs2530318029, ClinGen allele CA2695200725.